The following is an entry in ClinVar:

NM_000238.4(KCNH2):c.1946-14G>A

Gene: KCNH2 (potassium voltage-gated channel subfamily H member 2; minus strand). Cytogenetic location: 7q36.1.
Variant type: single nucleotide variant.
Coding change: c.1946-14G>A on transcript NM_000238.4 (MANE Select); 14 bases into the intron before coding-DNA position 1946, G replaced by A.
Molecular consequence: intron variant.
Genome position (GRCh38, 1-based): chr7:150,951,134, C>T on the plus strand (G>A on the coding strand, the complement: KCNH2 is on the minus strand). VCF-style: chr7-150951134-C-T. GRCh37 (hg19) VCF-style: chr7-150648222-C-T.
Other names: c.1658-14G>A (NM_001406753.1, NM_001406756.1); c.926-14G>A (NM_172057.3, NM_001204798.2); c.1946-14G>A (NM_172056.3); c.1769-14G>A (NM_001406755.1); c.1646-14G>A (NM_001406757.1).
Identifiers: ClinVar variation 1589314 (VCV001589314.10), dbSNP rs371820756, ClinGen allele CA030024.

ClinVar aggregate classification (germline): Likely benign. Review status: criteria provided, multiple submitters, no conflicts (2 of 4 stars). 2 submissions from 2 submitters: Likely benign (2). Last evaluated 2026-01-27.

Conditions:
Long QT syndrome (LQTS). Identifiers: MedGen C0023976, MeSH D008133, MONDO:0002442. Disease mechanism: loss of function. Inheritance: Various modes of inheritance.

Allele frequency attached by ClinVar (database versions not stated): gnomAD exomes below 0.00001; ExAC 0.00002; TOPMed 0.00002; gnomAD 0.00003 and 0.00004; ESP Exome Variant Server 0.00015.

Submissions (2):

Labcorp Genetics (formerly Invitae), Labcorp
Classification: Likely benign for Long QT syndrome. Last evaluated: 2026-01-27. Review status: criteria provided, single submitter. Criteria: Invitae Variant Classification Sherloc (09022015). Collection method: clinical testing. Allele origin: germline.

All of Us Research Program, National Institutes of Health
Classification: Likely benign for Long QT syndrome. Last evaluated: 2023-07-22. Review status: criteria provided, single submitter. Criteria: ACMG Guidelines, 2015. Collection method: clinical testing. Allele origin: germline. Inheritance: Autosomal dominant inheritance. Observed: 2 variant alleles, 2 heterozygotes.
Comment: This study involves interpretation of variants in research participants for the purpose of population health screening. Participant phenotype was not available at the time of variant classification. Additional details can be found in publication PMID: 35346344, PMCID: PMC8962531